The following is an entry in ClinVar:

ClinVar aggregate classification (germline): Likely benign (0 of 4 stars; one submission).

Conditions:
DHX30-related disorder. Also called: DHX30-related condition.

Allele frequency attached by ClinVar (database versions not stated): gnomAD 0.00003; TOPMed 0.00006; ExAC 0.00008.
gnomAD v4.1: 17 of 1,611,270 alleles (0.0011%); highest among the groups gnomAD compares: East Asian, 0.027%; no homozygotes.

Submission:

PreventionGenetics, part of Exact Sciences
Classification: Likely benign for DHX30-related condition. Last evaluated: 2019-08-08. Review status: no assertion criteria provided. Collection method: clinical testing. Allele origin: germline.
Comment: This variant is classified as likely benign based on ACMG/AMP sequence variant interpretation guidelines (Richards et al. 2015 PMID: 25741868, with internal and published modifications).

NM_138615.3(DHX30):c.2085C>T (p.His695=)

Gene: DHX30 (DExH-box helicase 30; plus strand). Cytogenetic location: 3p21.31.
Variant type: single nucleotide variant.
Coding change: c.2085C>T on transcript NM_138615.3 (MANE Select); coding-DNA position 2085, C replaced by T.
Protein change: p.His695=; no amino-acid change (histidine 695 retained).
Molecular consequence: synonymous variant.
Genome position (GRCh38, 1-based): chr3:47,847,511, C>T. VCF-style: chr3-47847511-C-T. GRCh37 (hg19) VCF-style: chr3-47889001-C-T.
Other names: c.2001C>T, p.His667= (NM_001330990.2); c.1968C>T, p.His656= (NM_014966.4).
Identifiers: ClinVar variation 3055963 (VCV003055963.2), dbSNP rs781113005, ClinGen allele CA2370046.